The following is an entry in ClinVar:

ClinVar aggregate classification (germline): Benign/Likely benign. Review status: criteria provided, multiple submitters, no conflicts (2 of 4 stars). 5 submissions from 5 submitters: Benign (1); Likely benign (2). 2 of the submissions do not count toward it. Last evaluated 2026-01-26.

Conditions:
Epidermolysis bullosa simplex 3, localized or generalized intermediate, with BP230 deficiency (EBS3). Also called: Epidermolysis bullosa simplex, autosomal recessive 2; Epidermolysis bullosa simplex due to BP230 deficiency. Identifiers: Orphanet 412181, MedGen C3809470, MONDO:0014180, OMIM 615425.
Hereditary sensory and autonomic neuropathy type 6. Also called: HSAN VI; Neuropathy, hereditary sensory and autonomic, type VI. Identifiers: Orphanet 314381, MedGen C3539003, MONDO:0013839, OMIM 614653.

Allele frequency attached by ClinVar (database versions not stated): gnomAD exomes 0.00051 and 0.00138; ExAC 0.00158; 1000 Genomes Project 0.00459; 1000 Genomes Project 30x 0.00515; gnomAD 0.00532 and 0.00572; ESP Exome Variant Server 0.00630; TOPMed 0.00634.
gnomAD v4.1: 1,589 of 1,613,668 alleles (0.098%); highest among the groups gnomAD compares: African/African-American, 1.8%; 13 homozygotes.

Submissions (5):

Labcorp Genetics (formerly Invitae), Labcorp
Classification: Benign for Epidermolysis bullosa simplex 3, localized or generalized intermediate, with BP230 deficiency; Hereditary sensory and autonomic neuropathy type 6. Last evaluated: 2026-01-26. Review status: criteria provided, single submitter. Criteria: Invitae Variant Classification Sherloc (09022015). Collection method: clinical testing. Allele origin: germline.

Blueprint Genetics
Classification: Likely benign. Last evaluated: 2024-11-26. Review status: criteria provided, single submitter. Criteria: ACMG Guidelines, 2015. Collection method: clinical testing. Allele origin: germline.

GeneDx
Classification: Likely benign. Last evaluated: 2021-10-01. Review status: criteria provided, single submitter. Criteria: GeneDx Variant Classification Process June 2021. Collection method: clinical testing. Allele origin: germline. Affected: yes.
Comment: See Variant Classification Assertion Criteria.

Clinical Genetics DNA and cytogenetics Diagnostics Lab, Erasmus MC, Erasmus Medical Center
Classification: Benign. Review status: no assertion criteria provided. Collection method: clinical testing. Allele origin: germline. Affected: yes. Study: VKGL Data-share Consensus. Not counted in ClinVar's aggregate classification.

Clinical Genetics, Academic Medical Center
Classification: Likely benign. Review status: no assertion criteria provided. Collection method: clinical testing. Allele origin: germline. Affected: yes. Study: VKGL Data-share Consensus. Not counted in ClinVar's aggregate classification.

NM_001374736.1(DST):c.3557G>A (p.Ser1186Asn)

Gene: DST (dystonin; minus strand). Cytogenetic location: 6p12.1.
Variant type: single nucleotide variant.
Coding change: c.3557G>A on transcript NM_001374736.1 (MANE Select); coding-DNA position 3557, G replaced by A.
Protein change: p.Ser1186Asn; replaces serine 1186 with asparagine.
Molecular consequence: missense variant.
Genome position (GRCh38, 1-based): chr6:56,634,196, C>T on the plus strand (G>A on the coding strand, the complement: DST is on the minus strand). VCF-style: chr6-56634196-C-T. GRCh37 (hg19) VCF-style: chr6-56498994-C-T.
Other names: c.3458G>A, p.Ser1153Asn (NM_001144769.5); c.3044G>A, p.Ser1015Asn (NM_001144770.2); c.3557G>A, p.Ser1186Asn (NM_001374722.1); c.2924G>A, p.Ser975Asn (NM_001374729.1, NM_001374730.1, NM_001386100.1 and 1 more transcripts); c.3584G>A, p.Ser1195Asn (NM_001374734.1); c.1946G>A, p.Ser649Asn (NM_001723.7, NM_015548.5); short protein forms S649N, S975N, S1015N, S1153N, S1186N, S1195N.
Identifiers: ClinVar variation 474512 (VCV000474512.17), dbSNP rs139350480, ClinGen allele CA3871134.
Genomic context (GRCh38, chr6:56,634,196, plus strand): 5'-GCCACATTGCTAGCTCGAATTCTATCAATTTCATTGATGAGATAATGCCAGGATACTACA[C>T]TCTTCATGTTTATGTGAGACTCATGCCAAAGAGTCAGGACATTCTGATACTGTTGCTCAA-3'
Protein context (NP_001361665.1, residues 1176-1196): LWHESHINMK[Ser1186Asn]VVSWHYLINE